The following is an entry in ClinVar:

NM_000516.7(GNAS):c.258-7A>C

Gene: GNAS (GNAS complex locus; plus strand). Cytogenetic location: 20q13.32.
Variant type: single nucleotide variant.
Coding change: c.258-7A>C on transcript NM_000516.7 (MANE Select); 7 bases into the intron before coding-DNA position 258, A replaced by C.
Molecular consequence: intron variant.
Genome position (GRCh38, 1-based): chr20:58,903,524, A>C. VCF-style: chr20-58903524-A-C. GRCh37 (hg19) VCF-style: chr20-57478579-A-C.
Other names: c.*161-4A>C (NM_016592.5); c.81-7A>C (NM_001309861.2, NM_001309840.2); c.*119-7A>C (NM_001077490.3); c.2187-7A>C (NM_080425.4); c.258-4A>C (NM_001077488.5, NM_001077488.3); c.213-4A>C (NM_080426.4); c.213-7A>C (NM_001077489.4).
Identifiers: ClinVar variation 1626827 (VCV001626827.12), dbSNP rs1183884518, ClinGen allele CA636225987.

ClinVar aggregate classification (germline): Likely benign. Review status: criteria provided, multiple submitters, no conflicts (2 of 4 stars). 4 submissions from 4 submitters: Likely benign (3). 1 of the submissions does not count toward it. Last evaluated 2025-12-31.

Conditions:
Progressive osseous heteroplasia (POH). Also called: Osseus Heteroplasia, Progressive; ECTOPIC OSSIFICATION, FAMILIAL; Osteoma cutis; Progressive Osseus Heteroplasia (POH). Identifiers: Orphanet 2762, MedGen C0334041, MONDO:0008153, OMIM 166350, HP:0025027.
Pituitary adenoma 3, multiple types. Also called: PITUITARY ADENOMA 3, ACTH-SECRETING, SOMATIC; PITUITARY ADENOMA 3, GROWTH HORMONE-SECRETING, SOMATIC. Identifiers: MedGen C4540135, MONDO:0054665, OMIM 617686.
ACTH-independent macronodular adrenal hyperplasia 1 (AIMAH1). Also called: CUSHING SYNDROME, ADRENAL, DUE TO AIMAH; CORTICOTROPIN-INDEPENDENT MACRONODULAR ADRENAL HYPERPLASIA; ACTH-INDEPENDENT MACRONODULAR ADRENOCORTICAL HYPERPLASIA; ACTH-independent macronodular adrenal hyperplasia, somatic; ADRENOCORTICOTROPIC HORMONE-INDEPENDENT MACRONODULAR ADRENAL HYPERPLASIA. Identifiers: MedGen C1857451, MONDO:0020735, OMIM 219080.
Pseudohypoparathyroidism type I A (PHP1A). Also called: Pseudohypoparathyroidism Type IA; ALBRIGHT HEREDITARY OSTEODYSTROPHY WITH MULTIPLE HORMONE RESISTANCE; PHP IA; Pseudohypoparathyroidism type 1A; Pseudohypoparathyroidism Ia (PHP-Ia). Identifiers: Orphanet 79443, MedGen C3494506, MONDO:0007078, OMIM 103580.
Pseudohypoparathyroidism type 1B (PHP1B). Also called: PHP IB; Pseudohypoparathyroidism Type IB; Pseudohypoparathyroidism Ib (PHP-Ib). Identifiers: Orphanet 94089, MedGen C1864100, MONDO:0011301, OMIM 603233.
Pseudopseudohypoparathyroidism (PPHP). Also called: Pseudopseudohypoparathyroidism (PPHP); ALBRIGHT HEREDITARY OSTEODYSTROPHY WITHOUT MULTIPLE HORMONE RESISTANCE. Identifiers: Orphanet 79445, MedGen C0033835, MONDO:0012912, OMIM 612463.
McCune-Albright syndrome (MAS). Also called: Fibrous Dysplasia / McCune-Albright Syndrome; ALBRIGHT SYNDROME; Albright's Syndrome; Albright's disease; McCune-Albright syndrome, somatic, mosaic. Identifiers: Orphanet 562, MedGen C0242292, MONDO:0018919, OMIM 174800.
Pseudohypoparathyroidism type 1C (PHP1C). Also called: Pseudohypoparathyroidism Ic (PHP-Ic); PSEUDOHYPOPARATHYROIDISM, TYPE IC; PHP IC. Identifiers: Orphanet 79444, MedGen C2932716, MONDO:0012911, OMIM 612462.
GNAS-related disorder. Identifiers: MedGen CN380105.

Allele frequency attached by ClinVar (database versions not stated): gnomAD exomes below 0.00001; gnomAD 0.00001; TOPMed 0.00002.
gnomAD v4.1: 8 of 1,611,658 alleles (0.0005%); highest among the groups gnomAD compares: Admixed American, 0.0083%; no homozygotes.

Submissions (4):

Labcorp Genetics (formerly Invitae), Labcorp
Classification: Likely benign. Last evaluated: 2025-12-31. Review status: criteria provided, single submitter. Criteria: Invitae Variant Classification Sherloc (09022015). Collection method: clinical testing. Allele origin: germline.

Fulgent Genetics
Classification: Likely benign for Pseudohypoparathyroidism type I A; Progressive osseous heteroplasia; McCune-Albright syndrome; ACTH-independent macronodular adrenal hyperplasia 1; Pseudohypoparathyroidism type 1B; Pseudohypoparathyroidism type 1C; Pseudopseudohypoparathyroidism; Pituitary adenoma 3, multiple types. Last evaluated: 2021-12-17. Review status: criteria provided, single submitter. Criteria: ACMG Guidelines, 2015. Collection method: clinical testing. Allele origin: unknown.

Breakthrough Genomics
Classification: Likely benign. Review status: criteria provided, single submitter. Criteria: ACMG Guidelines, 2015. Collection method: not provided. Allele origin: germline. Inheritance: Autosomal dominant inheritance. Affected: yes.

PreventionGenetics, part of Exact Sciences
Classification: Likely benign for GNAS-related condition. Last evaluated: 2024-02-16. Review status: no assertion criteria provided. Collection method: clinical testing. Allele origin: germline. Not counted in ClinVar's aggregate classification.
Comment: This variant is classified as likely benign based on ACMG/AMP sequence variant interpretation guidelines (Richards et al. 2015 PMID: 25741868, with internal and published modifications).